The following is an entry in ClinVar:

NM_006904.7(PRKDC):c.3335C>T (p.Ala1112Val)

Gene: PRKDC (protein kinase, DNA-activated, catalytic subunit; minus strand). Cytogenetic location: 8q11.21.
Variant type: single nucleotide variant.
Coding change: c.3335C>T on transcript NM_006904.7 (MANE Select); coding-DNA position 3335, C replaced by T.
Protein change: p.Ala1112Val; replaces alanine 1112 with valine.
Molecular consequence: missense variant.
Genome position (GRCh38, 1-based): chr8:47,900,402, G>A on the plus strand (C>T on the coding strand, the complement: PRKDC is on the minus strand). VCF-style: chr8-47900402-G-A. GRCh37 (hg19) VCF-style: chr8-48812962-G-A.
Other names: c.3335C>T, p.Ala1112Val (NM_001081640.2); short protein forms A1112V.
Identifiers: ClinVar variation 1730352 (VCV001730352.2), dbSNP rs2551875227, ClinGen allele CA371155583.
Genomic context (GRCh38, chr8:47,900,402, plus strand): 5'-AACGCACACAGAACACTGAAGCAAAACGTACCTAAGGACTTCTCATCTGCATGTGCTAAG[G>A]CCAGACTCTCCATGTATATCACCAAGGCTTCAAACACAAACTGTTCCACCAGAGACTCTT-3'
Protein context (NP_008835.5, residues 1102-1122): EALVIYMESL[Ala1112Val]LAHADEKSLG

ClinVar aggregate classification (germline): Uncertain significance (1 of 4 stars; one submission).

Submission:

Ambry Genetics
Classification: Uncertain significance. Last evaluated: 2021-07-04. Review status: criteria provided, single submitter. Criteria: Ambry Variant Classification Scheme 2023. Collection method: clinical testing. Allele origin: germline.
Comment: The p.A1112V variant (also known as c.3335C>T), located in coding exon 28 of the PRKDC gene, results from a C to T substitution at nucleotide position 3335. The alanine at codon 1112 is replaced by valine, an amino acid with similar properties. This amino acid position is conserved. In addition, this alteration is predicted to be tolerated by in silico analysis. Since supporting evidence is limited at this time, the clinical significance of this alteration remains unclear.